The following is an entry in ClinVar:

ClinVar aggregate classification (germline): Uncertain significance (1 of 4 stars; one submission).

Conditions:
Hereditary cancer-predisposing syndrome. Also called: Hereditary Cancer Syndrome; Hereditary neoplastic syndrome; Neoplastic Syndromes, Hereditary; Tumor predisposition. Identifiers: Orphanet 140162, MedGen C0027672, MeSH D009386, MONDO:0015356.

Submission:

Ambry Genetics
Classification: Uncertain significance for Hereditary cancer-predisposing syndrome. Last evaluated: 2025-08-04. Review status: criteria provided, single submitter. Criteria: Ambry Variant Classification Scheme 2023. Collection method: clinical testing. Allele origin: germline.
Comment: The p.P1170S variant (also known as c.3508C>T), located in coding exon 28 of the EGFR gene, results from a C to T substitution at nucleotide position 3508. The proline at codon 1170 is replaced by serine, an amino acid with similar properties. This amino acid position is highly conserved in available vertebrate species. In addition, the in silico prediction for this alteration is inconclusive. Based on the available evidence, the clinical significance of this variant remains unclear.

NM_005228.5(EGFR):c.3508C>T (p.Pro1170Ser)

Gene: EGFR (epidermal growth factor receptor; plus strand). Cytogenetic location: 7p11.2.
Variant type: single nucleotide variant.
Coding change: c.3508C>T on transcript NM_005228.5 (MANE Select); coding-DNA position 3508, C replaced by T.
Protein change: p.Pro1170Ser; replaces proline 1170 with serine.
Molecular consequence: missense variant.
Genome position (GRCh38, 1-based): chr7:55,205,492, C>T. VCF-style: chr7-55205492-C-T. GRCh37 (hg19) VCF-style: chr7-55273185-C-T.
Other names: c.3373C>T, p.Pro1125Ser (NM_001346899.2); c.3349C>T, p.Pro1117Ser (NM_001346900.2); c.2707C>T, p.Pro903Ser (NM_001346941.2); short protein forms P1117S, P1125S, P1170S, P903S.
Identifiers: ClinVar variation 4247334 (VCV004247334.1).